The following is an entry in ClinVar:

NM_152558.5(IQCE):c.624C>T (p.Ala208=)

Gene: IQCE (IQ motif containing E; plus strand). Cytogenetic location: 7p22.3.
Variant type: single nucleotide variant.
Coding change: c.624C>T on transcript NM_152558.5 (MANE Select); coding-DNA position 624, C replaced by T.
Protein change: p.Ala208=; no amino-acid change (alanine 208 retained).
Molecular consequence: synonymous variant.
Genome position (GRCh38, 1-based): chr7:2,578,520, C>T. VCF-style: chr7-2578520-C-T. GRCh37 (hg19) VCF-style: chr7-2618154-C-T.
Other names: c.624C>T, p.Ala208= (NM_001287499.2); c.576C>T, p.Ala192= (NM_001287500.2, NM_001410865.1); c.429C>T, p.Ala143= (NM_001287501.2, NM_001287502.2).
Identifiers: ClinVar variation 3048135 (VCV003048135.2), dbSNP rs992302308, ClinGen allele CA152659884.

ClinVar aggregate classification (germline): Likely benign (0 of 4 stars; one submission).

Conditions:
IQCE-related disorder. Also called: IQCE-related condition.

Allele frequency attached by ClinVar (database versions not stated): gnomAD 0.00001; gnomAD exomes 0.00001; TOPMed 0.00001.
gnomAD v4.1: 11 of 1,614,030 alleles (0.00068%); highest among the groups gnomAD compares: Admixed American, 0.015%; no homozygotes.

Submission:

PreventionGenetics, part of Exact Sciences
Classification: Likely benign for IQCE-related condition. Last evaluated: 2019-12-18. Review status: no assertion criteria provided. Collection method: clinical testing. Allele origin: germline.
Comment: This variant is classified as likely benign based on ACMG/AMP sequence variant interpretation guidelines (Richards et al. 2015 PMID: 25741868, with internal and published modifications).